The following is an entry in ClinVar:

NM_001142800.2(EYS):c.2021_2023+1dup

Gene: EYS (EGF-like photoreceptor maintenance factor; minus strand). Cytogenetic location: 6q12.
Variant type: Duplication.
Coding change: c.2021_2023+1dup on transcript NM_001142800.2 (MANE Select); coding-DNA position 2021 through the canonical splice donor site of the intron after coding-DNA position 2023, 4 bases duplicated (AAGG; older notation c.2021_2023+1dupAAGG).
Molecular consequence: splice donor variant.
Genome position (GRCh38, 1-based): chr6:65,295,862-65,295,865, CCTT duplicated on the plus strand (AAGG on the coding strand, the reverse complement: EYS is on the minus strand). VCF-style (leftmost placement, unchanged base first): chr6-65295861-G-GCCTT. GRCh37 (hg19) VCF-style: chr6-66005754-G-GCCTT.
Other names: c.2021_2023+1dup (NM_001292009.2); c.2021_2023+1dupAAGG (NM_001142800.1).
Identifiers: ClinVar variation 1065701 (VCV001065701.10), dbSNP rs2150286198, ClinGen allele CA2499218485.

ClinVar aggregate classification (germline): Likely pathogenic. Review status: criteria provided, multiple submitters, no conflicts (2 of 4 stars). 3 submissions from 3 submitters: Likely pathogenic (3). Last evaluated 2025-10-09.

Conditions:
Retinitis pigmentosa 25 (RP25). Identifiers: Orphanet 791, MedGen C1864446, MONDO:0011272, OMIM 602772.

Submissions (3):

Natera, Inc.
Classification: Likely pathogenic for Retinitis pigmentosa type 25. Last evaluated: 2025-10-09. Review status: criteria provided, single submitter. Criteria: Natera Variant Classification Schema (03/2026). Collection method: clinical testing. Allele origin: germline.
Comment: The c.2021_2023+1dupAAGG variant in EYS is a canonical splice donor site variant predicted to affect pre-mRNA splicing, which may result in an abnormal transcript and altered protein product. This variant is expected to result in nonsense mediated decay, truncation, or a dysfunctional protein product. This variant is rare in the general population with a frequency below the threshold expected for the associated phenotype(s). Given the available evidence, this variant is classified as Likely Pathogenic.

Labcorp Genetics (formerly Invitae), Labcorp
Classification: Likely pathogenic. Last evaluated: 2024-02-16. Review status: criteria provided, single submitter. Criteria: Invitae Variant Classification Sherloc (09022015). Collection method: clinical testing. Allele origin: germline.
Comment: This sequence change affects a splice site in intron 12 of the EYS gene. It is expected to disrupt RNA splicing. Variants that disrupt the donor or acceptor splice site typically lead to a loss of protein function (PMID: 16199547), and loss-of-function variants in EYS are known to be pathogenic (PMID: 18836446, 20333770). This variant is not present in population databases (gnomAD no frequency). This variant has not been reported in the literature in individuals affected with EYS-related conditions. ClinVar contains an entry for this variant (Variation ID: 1065701). In summary, the currently available evidence indicates that the variant is pathogenic, but additional data are needed to prove that conclusively. Therefore, this variant has been classified as Likely Pathogenic.

Ocular Genomics Institute, Massachusetts Eye and Ear
Classification: Likely pathogenic for Retinitis pigmentosa 25. Last evaluated: 2021-04-08. Review status: criteria provided, single submitter. Criteria: ACMG Guidelines, 2015. Collection method: research. Allele origin: germline. Affected: yes.
Comment: Through a review of available evidence we were able to apply the following criteria: PVS1, PM2. Based on this evidence we have classified this variant as Likely Pathogenic.

Literature cited by the submitters: PubMed 16199547 (cited by Labcorp Genetics (formerly Invitae), Labcorp); PubMed 18836446 (cited by Labcorp Genetics (formerly Invitae), Labcorp); PubMed 20333770 (cited by Labcorp Genetics (formerly Invitae), Labcorp).